The following is an entry in ClinVar:

NM_005996.4(TBX3):c.752A>T (p.Tyr251Phe)

Gene: TBX3 (T-box transcription factor 3; minus strand). Cytogenetic location: 12q24.21.
Variant type: single nucleotide variant.
Coding change: c.752A>T on transcript NM_005996.4 (MANE Select); coding-DNA position 752, A replaced by T.
Protein change: p.Tyr251Phe; replaces tyrosine 251 with phenylalanine.
Molecular consequence: missense variant.
Genome position (GRCh38, 1-based): chr12:114,679,557, T>A on the plus strand (A>T on the coding strand, the complement: TBX3 is on the minus strand). VCF-style: chr12-114679557-T-A. GRCh37 (hg19) VCF-style: chr12-115117362-T-A.
Other names: c.812A>T, p.Tyr271Phe (NM_016569.4); short protein forms Y271F, Y251F.
Identifiers: ClinVar variation 3707133 (VCV003707133.2).

ClinVar aggregate classification (germline): Uncertain significance (1 of 4 stars; one submission).

Conditions:
Ulnar-mammary syndrome (UMS). Also called: PALLISTER ULNAR-MAMMARY SYNDROME; Ulnar-mammary syndrome of Pallister; SCHINZEL SYNDROME. Identifiers: Orphanet 3138, MedGen C1866994, MONDO:0008411, OMIM 181450.

Submission:

Labcorp Genetics (formerly Invitae), Labcorp
Classification: Uncertain significance for Ulnar-mammary syndrome. Last evaluated: 2024-09-12. Review status: criteria provided, single submitter. Criteria: Invitae Variant Classification Sherloc (09022015). Collection method: clinical testing. Allele origin: germline.
Comment: This sequence change replaces tyrosine, which is neutral and polar, with phenylalanine, which is neutral and non-polar, at codon 251 of the TBX3 protein (p.Tyr251Phe). This variant is not present in population databases (gnomAD no frequency). This variant has not been reported in the literature in individuals affected with TBX3-related conditions. An algorithm developed to predict the effect of missense changes on protein structure and function (PolyPhen-2) suggests that this variant is likely to be disruptive. In summary, the available evidence is currently insufficient to determine the role of this variant in disease. Therefore, it has been classified as a Variant of Uncertain Significance.